The following is an entry in ClinVar:

ClinVar aggregate classification (germline): Likely benign. Review status: reviewed by expert panel (3 of 4 stars). 3 submissions from 3 submitters: Likely benign (1). 2 of the submissions do not count toward it. Last evaluated 2017-06-29.

Conditions:
Breast-ovarian cancer, familial, susceptibility to, 1 (BROVCA1). Also called: OVARIAN CANCER, SUSCEPTIBILITY TO; BRCA1 Hereditary Breast and Ovarian Cancer. Identifiers: Orphanet 145, MedGen C2676676, MONDO:0011450, OMIM 604370. Disease mechanism: loss of function.

Submissions (3):

Evidence-based Network for the Interpretation of Germline Mutant Alleles (ENIGMA)
Classification: Likely benign for Breast-ovarian cancer, familial, susceptibility to, 1. Last evaluated: 2017-06-29. Review status: reviewed by expert panel. Criteria: ENIGMA BRCA1/2 Classification Criteria (2017-06-29). Collection method: curation. Allele origin: germline.
Comment: Synonymous substitution variant, with low bioinformatic likelihood to result in a splicing aberration (Splicing prior probability 0.02).

All of Us Research Program, National Institutes of Health
Classification: Likely benign for Breast-ovarian cancer, familial, susceptibility to, 1. Last evaluated: 2023-07-10. Review status: criteria provided, single submitter. Criteria: ACMG Guidelines, 2015. Collection method: clinical testing. Allele origin: germline. Inheritance: Autosomal dominant inheritance. Observed: 1 variant allele, 1 heterozygote. Not counted in ClinVar's aggregate classification.
Comment: This study involves interpretation of variants in research participants for the purpose of population health screening. Participant phenotype was not available at the time of variant classification. Additional details can be found in publication PMID: 35346344, PMCID: PMC8962531

Breast Cancer Information Core (BIC) (BRCA1)
Classification: Uncertain significance for Breast-ovarian cancer, familial 1. Last evaluated: 2002-06-20. Review status: no assertion criteria provided. Collection method: clinical testing. Allele origin: germline. Affected: yes. Observed: 1 variant allele. Not counted in ClinVar's aggregate classification.

NM_007294.4(BRCA1):c.2995C>T (p.Leu999=)

Gene: BRCA1 (BRCA1 DNA repair associated; minus strand). Cytogenetic location: 17q21.31.
Variant type: single nucleotide variant.
Coding change: c.2995C>T on transcript NM_007294.4 (MANE Select); coding-DNA position 2995, C replaced by T.
Protein change: p.Leu999=; no amino-acid change (leucine 999 retained).
Molecular consequence: synonymous variant. On other transcripts: intron variant (137).
Genome position (GRCh38, 1-based): chr17:43,092,536, G>A on the plus strand (C>T on the coding strand, the complement: BRCA1 is on the minus strand). VCF-style: chr17-43092536-G-A. GRCh37 (hg19) VCF-style: chr17-41244553-G-A.
Other names: L999L; c.2782C>T, p.Leu928= (NM_001407571.1, NM_001407853.1, NM_001407894.1 and 9 more transcripts); c.2995C>T, p.Leu999= (NM_001407581.1, NM_001407582.1, NM_001407583.1 and 30 more transcripts); c.2992C>T, p.Leu998= (NM_001407587.1, NM_001407590.1, NM_001407591.1 and 22 more transcripts); c.2986C>T, p.Leu996= (NM_001407646.1, NM_001407647.1); c.2872C>T, p.Leu958= (NM_001407648.1, NM_001407664.1, NM_001407665.1 and 19 more transcripts); c.2869C>T, p.Leu957= (NM_001407649.1, NM_001407670.1, NM_001407671.1 and 11 more transcripts); c.2917C>T, p.Leu973= (NM_001407653.1, NM_001407654.1, NM_001407655.1 and 4 more transcripts); and 42 more.
Identifiers: ClinVar variation 54740 (VCV000054740.5), dbSNP rs80356848, ClinGen allele CA001947.
Genomic context (GRCh38, chr17:43,092,536, plus strand): 5'-TGTTCTCATTTCCCATTTCTCTTTCAGGTGACATTGAATGTTCCTCAAAGTTTTCCTCTA[G>A]CAGATTTTTCTTACATTTAGTTTTAACAAATGACTTGATGGGAAAAAGTGGTGGTATACG-3'
Protein context (NP_009225.1, residues 989-1009): FVKTKCKKNL[Leu999=]EENFEEHSMS